The following is an entry in ClinVar:

NM_130384.3(ATRIP):c.1716C>T (p.Ala572=)

Genes: ATRIP (ATR interacting protein; plus strand), ATRIP-TREX1 (ATRIP-TREX1 readthrough; plus strand). Cytogenetic location: 3p21.31.
Variant type: single nucleotide variant.
Coding change: c.1716C>T on transcript NM_130384.3 (MANE Select); coding-DNA position 1716, C replaced by T.
Protein change: p.Ala572=; no amino-acid change (alanine 572 retained).
Molecular consequence: synonymous variant. On other transcripts: non-coding transcript variant (1).
Genome position (GRCh38, 1-based): chr3:48,460,770, C>T. VCF-style: chr3-48460770-C-T. GRCh37 (hg19) VCF-style: chr3-48502169-C-T.
Other names: c.1335C>T, p.Ala445= (NM_001271022.2); c.1437C>T, p.Ala479= (NM_001271023.2); c.1716C>T, p.Ala572= (NM_032166.4); c.1716C>T (NM_130384.1).
Identifiers: ClinVar variation 3614576 (VCV003614576.3).

ClinVar aggregate classification (germline): Conflicting classifications of pathogenicity. Review status: criteria provided, conflicting classifications (1 of 4 stars). 2 submissions from 2 submitters: Uncertain significance (1); Likely benign (1). Last evaluated 2025-04-02.

gnomAD v4.1: 33 of 1,600,298 alleles (0.0021%); highest among the groups gnomAD compares: Admixed American, 0.02%; no homozygotes.

Submissions (2):

Ambry Genetics
Classification: Uncertain significance. Last evaluated: 2025-04-02. Review status: criteria provided, single submitter. Criteria: Ambry Variant Classification Scheme 2023. Collection method: clinical testing. Allele origin: germline.
Comment: The c.1716C>T variant (also known as p.A572A), located in coding exon 8 of the ATRIP gene, results from a C to T substitution at nucleotide position 1716. This nucleotide substitution does not change the alanine at codon 572. This nucleotide position is poorly conserved in available vertebrate species. In silico splice site analysis for this alteration is inconclusive. The evidence for this gene-disease relationship is limited; therefore, the clinical significance of this alteration is unclear.

Labcorp Genetics (formerly Invitae), Labcorp
Classification: Likely benign. Last evaluated: 2024-02-04. Review status: criteria provided, single submitter. Criteria: Invitae Variant Classification Sherloc (09022015). Collection method: clinical testing. Allele origin: germline.